The following is an entry in ClinVar:

ClinVar aggregate classification (germline): Conflicting classifications of pathogenicity. Review status: criteria provided, conflicting classifications (1 of 4 stars). 4 submissions from 4 submitters: Uncertain significance (2); Likely benign (2). Last evaluated 2026-04-02.

Conditions:
Retinitis pigmentosa (RP). Identifiers: Orphanet 791, MedGen C0035334, MeSH D012174, MONDO:0019200, OMIM 268000. Inheritance: Autosomal dominant, autosomal recessive and X linked inheritance.
PDE6A-related disorder. Also called: PDE6A-related condition.

Allele frequency attached by ClinVar (database versions not stated): TOPMed 0.00001; gnomAD 0.00006 and below 0.00001; gnomAD exomes 0.00021; ExAC 0.00027; 1000 Genomes Project 30x 0.00094; 1000 Genomes Project 0.00100.
gnomAD v4.1: 149 of 1,614,138 alleles (0.0092%); highest among the groups gnomAD compares: South Asian, 0.14%; 2 homozygotes.

Submissions (4):

PreventionGenetics, part of Exact Sciences
Classification: Likely benign for PDE6A-related condition. Last evaluated: 2026-04-02. Review status: criteria provided, single submitter. Criteria: ACMG Guidelines, 2015. Collection method: clinical testing. Allele origin: germline.
Comment: This variant is classified as likely benign based on ACMG/AMP sequence variant interpretation guidelines (Richards et al. 2015 PMID: 25741868, with internal and published modifications).

Labcorp Genetics (formerly Invitae), Labcorp
Classification: Uncertain significance. Last evaluated: 2024-12-09. Review status: criteria provided, single submitter. Criteria: Invitae Variant Classification Sherloc (09022015). Collection method: clinical testing. Allele origin: germline.
Comment: This sequence change replaces arginine, which is basic and polar, with histidine, which is basic and polar, at codon 806 of the PDE6A protein (p.Arg806His). This variant is present in population databases (rs145718445, gnomAD 0.2%), including at least one homozygous and/or hemizygous individual. This variant has not been reported in the literature in individuals affected with PDE6A-related conditions. ClinVar contains an entry for this variant (Variation ID: 904487). Invitae Evidence Modeling of protein sequence and biophysical properties (such as structural, functional, and spatial information, amino acid conservation, physicochemical variation, residue mobility, and thermodynamic stability) has been performed for this missense variant. However, the output from this modeling did not meet the statistical confidence thresholds required to predict the impact of this variant on PDE6A protein function. In summary, the available evidence is currently insufficient to determine the role of this variant in disease. Therefore, it has been classified as a Variant of Uncertain Significance.

Blueprint Genetics
Classification: Likely benign. Last evaluated: 2023-10-04. Review status: criteria provided, single submitter. Criteria: ACMG Guidelines, 2015. Collection method: clinical testing. Allele origin: germline.

Illumina Laboratory Services, Illumina
Classification: Uncertain significance for Retinitis pigmentosa. Last evaluated: 2018-01-13. Review status: criteria provided, single submitter. Criteria: ICSL Variant Classification Criteria 13 December 2019. Collection method: clinical testing. Allele origin: germline.

NM_000440.3(PDE6A):c.2417G>A (p.Arg806His)

Gene: PDE6A (phosphodiesterase 6A; minus strand). Cytogenetic location: 5q32.
Variant type: single nucleotide variant.
Coding change: c.2417G>A on transcript NM_000440.3 (MANE Select); coding-DNA position 2417, G replaced by A.
Protein change: p.Arg806His; replaces arginine 806 with histidine.
Molecular consequence: missense variant.
Genome position (GRCh38, 1-based): chr5:149,863,208, C>T on the plus strand (G>A on the coding strand, the complement: PDE6A is on the minus strand). VCF-style: chr5-149863208-C-T. GRCh37 (hg19) VCF-style: chr5-149242771-C-T.
Other names: short protein forms R806H.
Identifiers: ClinVar variation 904487 (VCV000904487.15), dbSNP rs145718445, ClinGen allele CA3504280.
Genomic context (GRCh38, chr5:149,863,208, plus strand): 5'-TTCTCCTCCTGCACCTTCATCTTGGCATCGTACTCATCAGCAAGCGCCTTCCACTCCTTG[C>T]GATTGTTGGTGATCCCGTCCAACATTGGGGTGATCTCCTCGTGGAAACGGGAGAATTCCT-3'
Protein context (NP_000431.2, residues 796-816): TPMLDGITNN[Arg806His]KEWKALADEY